The following is an entry in ClinVar:

NM_173630.4(RTTN):c.2955-174del

Gene: RTTN (rotatin; minus strand). Cytogenetic location: 18q22.2.
Variant type: Deletion.
Coding change: c.2955-174del on transcript NM_173630.4 (MANE Select); 174 bases into the intron before coding-DNA position 2955, one base deleted (A; older notation c.2955-174delA).
Molecular consequence: intron variant.
Genome position (GRCh38, 1-based): chr18:70,128,720, T deleted on the plus strand (A on the coding strand, the reverse complement: RTTN is on the minus strand); the first of 4 consecutive T bases (chr18:70,128,720-70,128,723); deleting any one gives the same sequence. VCF-style (leftmost placement, unchanged base first): chr18-70128719-CT-C. GRCh37 (hg19) VCF-style: chr18-67795955-CT-C.
Other names: c.219-174del (NM_001318520.2).
Identifiers: ClinVar variation 677768 (VCV000677768.1), dbSNP rs142593943, ClinGen allele CA301963819.
Genomic context (GRCh38, chr18:70,128,719, plus strand): 5'-AGGTTTCTCTTAGTCCCTATTTTAAACAATTATCATAATTTATACAGTATTTCAATTATT[CT>C]TTTCATCTCCTCTAAACTCCCCAGAACACTTAAATCCTTTCTTGAGGACTTACCACATTC-3'

ClinVar aggregate classification (germline): Likely benign (1 of 4 stars; one submission).

Submission:

GeneDx
Classification: Likely benign. Last evaluated: 2018-06-14. Review status: criteria provided, single submitter. Criteria: GeneDx Variant Classification (06012015). Collection method: clinical testing. Allele origin: germline. Affected: yes.
Comment: This variant is considered likely benign or benign based on one or more of the following criteria: it is a conservative change, it occurs at a poorly conserved position in the protein, it is predicted to be benign by multiple in silico algorithms, and/or has population frequency not consistent with disease.